The following is an entry in ClinVar:

ClinVar aggregate classification (germline): Likely benign (1 of 4 stars; one submission).

Conditions:
Familial intrahepatic cholestasis. Identifiers: Orphanet 284385, MedGen CN296401, MONDO:0017290.

gnomAD v4.1: 238 of 1,613,636 alleles (0.015%); highest among the groups gnomAD compares: Non-Finnish European, 0.0097%; no homozygotes.

Submission:

Genomenon, Inc
Classification: Likely benign for Familial intrahepatic cholestasis. Last evaluated: 2026-04-14. Review status: criteria provided, single submitter. Criteria: Genomenon Sequence Variant Interpretation Standards - Updated. Collection method: curation. Allele origin: germline. Affected: no.
Comment: ATP8B1 c.628-31C>T is an intronic variant located in intron 7. This variant has been reported in the published literature (PMID:24260417). It is absent or not present at a significant frequency in gnomAD. This intronic variant is not predicted to impact splicing. In conclusion, we classify ATP8B1 c.628-31C>T as a likely benign variant.

Literature cited by the submitters: PubMed 24260417.

NM_001374385.1(ATP8B1):c.628-31C>T

Gene: ATP8B1 (ATPase phospholipid transporting 8B1; minus strand). Cytogenetic location: 18q21.31.
Variant type: single nucleotide variant.
Coding change: c.628-31C>T on transcript NM_001374385.1 (MANE Select); 31 bases into the intron before coding-DNA position 628, C replaced by T.
Molecular consequence: intron variant.
Genome position (GRCh38, 1-based): chr18:57,697,719, G>A on the plus strand (C>T on the coding strand, the complement: ATP8B1 is on the minus strand). VCF-style: chr18-57697719-G-A. GRCh37 (hg19) VCF-style: chr18-55364951-G-A.
Other names: c.628-31C>T (NM_005603.6); c.478-31C>T (NM_001374386.1).
Identifiers: ClinVar variation 4846515 (VCV004846515.1).